The following is an entry in ClinVar:

NM_198576.4(AGRN):c.3632-2del

Gene: AGRN (agrin; plus strand). Cytogenetic location: 1p36.33.
Variant type: Deletion.
Coding change: c.3632-2del on transcript NM_198576.4 (MANE Select); the canonical splice acceptor site of the intron before coding-DNA position 3632, one base deleted (A; older notation c.3632-2delA).
Molecular consequence: splice acceptor variant.
Genome position (GRCh38, 1-based): chr1:1,047,774, A deleted. VCF-style (leftmost placement, unchanged base first): chr1-1047773-CA-C. GRCh37 (hg19) VCF-style: chr1-983153-CA-C.
Other names: c.3632-2del (NM_001305275.2); c.3317-2del (NM_001364727.2).
Identifiers: ClinVar variation 2041421 (VCV002041421.4), dbSNP rs2522742297, ClinGen allele CA2574258692.

ClinVar aggregate classification (germline): Likely pathogenic (1 of 4 stars; one submission).

Conditions:
Congenital myasthenic syndrome 8. Also called: MYASTHENIC SYNDROME, CONGENITAL, DUE TO AGRIN DEFICIENCY; Myasthenic syndrome, congenital, 8, with pre- and postsynaptic defects. Identifiers: Orphanet 590, MedGen C3808739, MONDO:0014052, OMIM 615120.

Submission:

Labcorp Genetics (formerly Invitae), Labcorp
Classification: Likely pathogenic for Congenital myasthenic syndrome 8. Last evaluated: 2023-07-17. Review status: criteria provided, single submitter. Criteria: Invitae Variant Classification Sherloc (09022015). Collection method: clinical testing. Allele origin: germline.
Comment: This variant is not present in population databases (gnomAD no frequency). This sequence change affects a splice site in intron 21 of the AGRN gene. It is expected to disrupt RNA splicing. Variants that disrupt the donor or acceptor splice site typically lead to a loss of protein function (PMID: 16199547), and loss-of-function variants in AGRN are known to be pathogenic (PMID: 24951643). This variant has not been reported in the literature in individuals affected with AGRN-related conditions. In summary, the currently available evidence indicates that the variant is pathogenic, but additional data are needed to prove that conclusively. Therefore, this variant has been classified as Likely Pathogenic. Algorithms developed to predict the effect of sequence changes on RNA splicing suggest that this variant may disrupt the consensus splice site. ClinVar contains an entry for this variant (Variation ID: 2041421).

Literature cited by the submitters: PubMed 16199547; PubMed 24951643.